The following is an entry in ClinVar:

NM_000051.4(ATM):c.4501G>T (p.Val1501Phe)

Gene: ATM (ATM serine/threonine kinase; plus strand). Cytogenetic location: 11q22.3.
Variant type: single nucleotide variant.
Coding change: c.4501G>T on transcript NM_000051.4 (MANE Select); coding-DNA position 4501, G replaced by T.
Protein change: p.Val1501Phe; replaces valine 1501 with phenylalanine.
Molecular consequence: missense variant.
Genome position (GRCh38, 1-based): chr11:108,292,683, G>T. VCF-style: chr11-108292683-G-T. GRCh37 (hg19) VCF-style: chr11-108163410-G-T.
Other names: c.4501G>T, p.Val1501Phe (NM_001351834.2); short protein forms V1501F.
Identifiers: ClinVar variation 233848 (VCV000233848.19), dbSNP rs370574283, ClinGen allele CA6265485.

ClinVar aggregate classification (germline): Uncertain significance. Review status: criteria provided, multiple submitters, no conflicts (2 of 4 stars). 4 submissions from 4 submitters: Uncertain significance (4). Last evaluated 2024-12-04.

Conditions:
Hereditary cancer-predisposing syndrome. Also called: Tumor predisposition; Hereditary Cancer Syndrome; Hereditary neoplastic syndrome; Neoplastic Syndromes, Hereditary. Identifiers: Orphanet 140162, MedGen C0027672, MeSH D009386, MONDO:0015356.
Ataxia-telangiectasia syndrome (AT). Also called: Ataxia telangiectasia (A-T); LOUIS-BAR SYNDROME; Cerebello-oculocutaneous telangiectasia; Immunodeficiency with ataxia telangiectasia; ATAXIA-TELANGIECTASIA, COMPLEMENTATION GROUP A; ATAXIA-TELANGIECTASIA, FRESNO VARIANT. Identifiers: Orphanet 100, MedGen C0004135, MONDO:0008840, OMIM 208900.

gnomAD v4.1: 1 of 1,613,756 alleles (0.000062%); highest among the groups gnomAD compares: Non-Finnish European, 0.000085%; no homozygotes.

Submissions (4):

Labcorp Genetics (formerly Invitae), Labcorp
Classification: Uncertain significance for Ataxia-telangiectasia syndrome. Last evaluated: 2024-12-04. Review status: criteria provided, single submitter. Criteria: Invitae Variant Classification Sherloc (09022015). Collection method: clinical testing. Allele origin: germline.
Comment: This sequence change replaces valine, which is neutral and non-polar, with phenylalanine, which is neutral and non-polar, at codon 1501 of the ATM protein (p.Val1501Phe). This variant is present in population databases (rs370574283, gnomAD 0.0009%). This variant has not been reported in the literature in individuals affected with ATM-related conditions. ClinVar contains an entry for this variant (Variation ID: 233848). Invitae Evidence Modeling of protein sequence and biophysical properties (such as structural, functional, and spatial information, amino acid conservation, physicochemical variation, residue mobility, and thermodynamic stability) indicates that this missense variant is not expected to disrupt ATM protein function with a negative predictive value of 95%. In summary, the available evidence is currently insufficient to determine the role of this variant in disease. Therefore, it has been classified as a Variant of Uncertain Significance.

GeneDx
Classification: Uncertain significance. Last evaluated: 2024-08-23. Review status: criteria provided, single submitter. Criteria: GeneDx Variant Classification Process June 2021. Collection method: clinical testing. Allele origin: germline. Affected: yes.
Comment: Not observed at significant frequency in large population cohorts (gnomAD); In silico analysis indicates that this missense variant does not alter protein structure/function; Has not been previously published as pathogenic or benign to our knowledge

Ambry Genetics
Classification: Uncertain significance for Hereditary cancer-predisposing syndrome. Last evaluated: 2024-01-13. Review status: criteria provided, single submitter. Criteria: Ambry Variant Classification Scheme 2023. Collection method: clinical testing. Allele origin: germline.
Comment: The p.V1501F variant (also known as c.4501G>T), located in coding exon 29 of the ATM gene, results from a G to T substitution at nucleotide position 4501. The valine at codon 1501 is replaced by phenylalanine, an amino acid with highly similar properties. This amino acid position is well conserved in available vertebrate species. In addition, the in silico prediction for this alteration is inconclusive. Since supporting evidence is limited at this time, the clinical significance of this alteration remains unclear.

Color Diagnostics, LLC DBA Color Health
Classification: Uncertain significance for Hereditary cancer-predisposing syndrome. Last evaluated: 2023-02-27. Review status: criteria provided, single submitter. Criteria: ACMG Guidelines, 2015. Collection method: clinical testing. Allele origin: germline.
Comment: This missense variant replaces valine with phenylalanine at codon 1501 of the ATM protein. Computational prediction suggests that this variant may not impact protein structure and function (internally defined REVEL score threshold <= 0.5, PMID: 27666373). To our knowledge, functional studies have not been reported for this variant. This variant has not been reported in individuals affected with hereditary cancer in the literature. This variant has been identified in 1/251338 chromosomes in the general population by the Genome Aggregation Database (gnomAD). The available evidence is insufficient to determine the role of this variant in disease conclusively. Therefore, this variant is classified as a Variant of Uncertain Significance.